The following is an entry in ClinVar:

ClinVar aggregate classification (germline): Likely pathogenic (1 of 4 stars; one submission).

Conditions:
Neurodevelopmental disorder with coarse facies and mild distal skeletal abnormalities. Also called: STOLERMAN NEURODEVELOPMENTAL SYNDROME. Identifiers: MedGen C5193134, MONDO:0032790, OMIM 618505.

Submission:

Genetics Laboratory, UDIAT-Centre Diagnòstic, Hospital Universitari Parc Tauli
Classification: Likely pathogenic for neurodevelopmental disorder with coarse facies and mild distal skeletal abnormalities. Last evaluated: 2023-12-05. Review status: criteria provided, single submitter. Criteria: ACMG Guidelines, 2015. Collection method: clinical testing. Allele origin: unknown. Inheritance: Autosomal dominant inheritance. Affected: yes.
Comment: PVS1_very strong;PM2_supporting

NM_001348716.2(KDM6B):c.1053_1056dup (p.Thr353fs)

Gene: KDM6B (lysine demethylase 6B; plus strand). Cytogenetic location: 17p13.1.
Variant type: Microsatellite.
Coding change: c.1053_1056dup on transcript NM_001348716.2 (MANE Select); coding-DNA positions 1053 to 1056, 4 bases duplicated (TGCC; older notation c.1053_1056dupTGCC).
Protein change: p.Thr353fs; shifts the reading frame from threonine 353.
Molecular consequence: frameshift variant.
Genome position (GRCh38, 1-based): chr17:7,847,248-7,847,251, TGCC duplicated; duplicating any 4 consecutive bases within chr17:7,847,239-7,847,251 gives the same sequence; the c. name uses the placement nearest the transcript's 3' end. VCF-style (leftmost placement, unchanged base first): chr17-7847238-G-GCTGC. GRCh37 (hg19) VCF-style: chr17-7750556-G-GCTGC.
Other names: c.1053_1056dup, p.Thr353fs (NM_001080424.2); short protein forms T353fs.
Identifiers: ClinVar variation 3897631 (VCV003897631.1).